The following is an entry in ClinVar:

NM_024809.5(TCTN2):c.677G>A (p.Arg226His)

Gene: TCTN2 (tectonic family member 2; plus strand). Cytogenetic location: 12q24.31.
Variant type: single nucleotide variant.
Coding change: c.677G>A on transcript NM_024809.5 (MANE Select); coding-DNA position 677, G replaced by A.
Protein change: p.Arg226His; replaces arginine 226 with histidine.
Molecular consequence: missense variant.
Genome position (GRCh38, 1-based): chr12:123,686,948, G>A. VCF-style: chr12-123686948-G-A. GRCh37 (hg19) VCF-style: chr12-124171495-G-A.
Other names: c.674G>A, p.Arg225His (NM_001143850.3); c.677G>A (NM_024809.3); short protein forms R226H, R225H.
Identifiers: ClinVar variation 307552 (VCV000307552.10), dbSNP rs774785140, ClinGen allele CA6860961.

ClinVar aggregate classification (germline): Conflicting classifications of pathogenicity. Review status: criteria provided, conflicting classifications (1 of 4 stars). 4 submissions from 3 submitters: Uncertain significance (3); Likely benign (1). Last evaluated 2024-08-20.

Conditions:
Inborn genetic diseases. Identifiers: MedGen C0950123, MeSH D030342.
Meckel syndrome, type 8. Identifiers: Orphanet 564, MedGen C3836857, MONDO:0013482, OMIM 613885.
Joubert syndrome 24 (JBTS24). Identifiers: Orphanet 475, MedGen C4084841, MONDO:0014724, OMIM 616654.
Meckel-Gruber syndrome. Also called: Dysencephalia splachnocystica; DYSENCEPHALIA SPLANCHNOCYSTICA; GRUBER SYNDROME. Identifiers: Orphanet 564, MedGen C0265215, MONDO:0018921.
Joubert syndrome. Also called: Familial aplasia of the vermis; CEREBELLOPARENCHYMAL DISORDER IV; JOUBERT-BOLTSHAUSER SYNDROME. Identifiers: Orphanet 475, MedGen C5979921, MONDO:0018772.

Allele frequency attached by ClinVar (database versions not stated): TOPMed below 0.00001; gnomAD 0.00001; gnomAD exomes 0.00001; ExAC 0.00002.
gnomAD v4.1: 24 of 1,614,074 alleles (0.0015%); highest among the groups gnomAD compares: Middle Eastern, 0.016%; no homozygotes.

Submissions (4):

Ambry Genetics
Classification: Likely benign for Inborn genetic diseases. Last evaluated: 2024-08-20. Review status: criteria provided, single submitter. Criteria: Ambry Variant Classification Scheme 2023. Collection method: clinical testing. Allele origin: germline.

Labcorp Genetics (formerly Invitae), Labcorp
Classification: Uncertain significance for Joubert syndrome; Meckel-Gruber syndrome. Last evaluated: 2022-08-01. Review status: criteria provided, single submitter. Criteria: Invitae Variant Classification Sherloc (09022015). Collection method: clinical testing. Allele origin: germline.
Comment: Algorithms developed to predict the effect of sequence changes on RNA splicing suggest that this variant may create or strengthen a splice site. Algorithms developed to predict the effect of missense changes on protein structure and function output the following: SIFT: "Tolerated"; PolyPhen-2: "Benign"; Align-GVGD: "Class C0". The histidine amino acid residue is found in multiple mammalian species, which suggests that this missense change does not adversely affect protein function. ClinVar contains an entry for this variant (Variation ID: 307552). This variant has not been reported in the literature in individuals affected with TCTN2-related conditions. This variant is present in population databases (rs774785140, gnomAD 0.006%). This sequence change replaces arginine, which is basic and polar, with histidine, which is basic and polar, at codon 226 of the TCTN2 protein (p.Arg226His). In summary, the available evidence is currently insufficient to determine the role of this variant in disease. Therefore, it has been classified as a Variant of Uncertain Significance.

Illumina Laboratory Services, Illumina
Classification: Uncertain significance for Joubert syndrome 24. Last evaluated: 2018-01-13. Review status: criteria provided, single submitter. Criteria: ICSL Variant Classification Criteria 13 December 2019. Collection method: clinical testing. Allele origin: germline.

Illumina Laboratory Services, Illumina
Classification: Uncertain significance for Meckel syndrome, type 8. Last evaluated: 2018-01-13. Review status: criteria provided, single submitter. Criteria: ICSL Variant Classification Criteria 13 December 2019. Collection method: clinical testing. Allele origin: germline.